The following is an entry in ClinVar:

NM_001040436.3(YARS2):c.34G>C (p.Gly12Arg)

Gene: YARS2 (tyrosyl-tRNA synthetase 2; minus strand). Cytogenetic location: 12p11.21.
Variant type: single nucleotide variant.
Coding change: c.34G>C on transcript NM_001040436.3 (MANE Select); coding-DNA position 34, G replaced by C.
Protein change: p.Gly12Arg; replaces glycine 12 with arginine.
Molecular consequence: missense variant.
Genome position (GRCh38, 1-based): chr12:32,755,841, C>G on the plus strand (G>C on the coding strand, the complement: YARS2 is on the minus strand). VCF-style: chr12-32755841-C-G. GRCh37 (hg19) VCF-style: chr12-32908775-C-G.
Other names: c.34G>C (NM_001040436.2); short protein forms G12R.
Identifiers: ClinVar variation 2199850 (VCV002199850.3), dbSNP rs543800729, ClinGen allele CA6508254.
Genomic context (GRCh38, chr12:32,755,841, plus strand): 5'-GGGCCTTACGCAGCCCCAAGGGCAACAATACTGAGAGATTTAGGGTACCAGACCACCGGC[C>G]CCAGGAAAAGGACCGCAAGATGGGCGCCGCCATCTTGGTAGCGGCACGAAGGGAATGCTG-3'
Protein context (NP_001035526.1, residues 2-22): AAPILRSFSW[Gly12Arg]RWSGTLNLSV

ClinVar aggregate classification (germline): Uncertain significance. Review status: criteria provided, multiple submitters, no conflicts (2 of 4 stars). 2 submissions from 2 submitters: Uncertain significance (2). Last evaluated 2026-01-08.

Conditions:
Inborn genetic diseases. Identifiers: MedGen C0950123, MeSH D030342.

Allele frequency attached by ClinVar (database versions not stated): TOPMed 0.00006; gnomAD 0.00007; ExAC 0.00008; 1000 Genomes Project 30x 0.00016; 1000 Genomes Project 0.00020.
gnomAD v4.1: 112 of 1,613,322 alleles (0.0069%); highest among the groups gnomAD compares: Middle Eastern, 0.016%; no homozygotes.

Submissions (2):

Labcorp Genetics (formerly Invitae), Labcorp
Classification: Uncertain significance. Last evaluated: 2026-01-08. Review status: criteria provided, single submitter. Criteria: Invitae Variant Classification Sherloc (09022015). Collection method: clinical testing. Allele origin: germline.
Comment: This sequence change replaces glycine, which is neutral and non-polar, with arginine, which is basic and polar, at codon 12 of the YARS2 protein (p.Gly12Arg). This variant is present in population databases (rs543800729, gnomAD 0.01%). This variant has not been reported in the literature in individuals affected with YARS2-related conditions. ClinVar contains an entry for this variant (Variation ID: 2199850). Invitae Evidence Modeling of protein sequence and biophysical properties (such as structural, functional, and spatial information, amino acid conservation, physicochemical variation, residue mobility, and thermodynamic stability) indicates that this missense variant is not expected to disrupt YARS2 protein function with a negative predictive value of 95%. In summary, the available evidence is currently insufficient to determine the role of this variant in disease. Therefore, it has been classified as a Variant of Uncertain Significance.

Ambry Genetics
Classification: Uncertain significance for Inborn genetic diseases. Last evaluated: 2024-05-20. Review status: criteria provided, single submitter. Criteria: Ambry Variant Classification Scheme 2023. Collection method: clinical testing. Allele origin: germline.